The following is an entry in ClinVar:

NM_024334.3(TMEM43):c.626C>A (p.Ser209Tyr)

Gene: TMEM43 (transmembrane protein 43; plus strand). Cytogenetic location: 3p25.1.
Variant type: single nucleotide variant.
Coding change: c.626C>A on transcript NM_024334.3 (MANE Select); coding-DNA position 626, C replaced by A.
Protein change: p.Ser209Tyr; replaces serine 209 with tyrosine.
Molecular consequence: missense variant.
Genome position (GRCh38, 1-based): chr3:14,134,812, C>A. VCF-style: chr3-14134812-C-A. GRCh37 (hg19) VCF-style: chr3-14176312-C-A.
Other names: short protein forms S209Y.
Identifiers: ClinVar variation 518746 (VCV000518746.7), dbSNP rs1553603146, ClinGen allele CA351535515.
Genomic context (GRCh38, chr3:14,134,812, plus strand): 5'-CCACTCTGGTCCCCTCAGGCCTCATCGACAAAGTCGACAACTTCAAGTCCCTGAGCCTAT[C>A]CAAGCTGGAGGACCCTCATGTGGACATCATTCGCCGTGGAGACTTTTTCTACCACAGCGA-3'
Protein context (NP_077310.1, residues 199-219): KVDNFKSLSL[Ser209Tyr]KLEDPHVDII

ClinVar aggregate classification (germline): Uncertain significance. Review status: criteria provided, multiple submitters, no conflicts (2 of 4 stars). 2 submissions from 2 submitters: Uncertain significance (2). Last evaluated 2023-10-02.

Conditions:
Cardiovascular phenotype. Identifiers: MedGen CN230736.
Arrhythmogenic right ventricular dysplasia 5. Also called: ARRHYTHMOGENIC RIGHT VENTRICULAR DYSPLASIA, FAMILIAL, 5; Arrhythmogenic Right Ventricular Dysplasia/Cardiomyopathy 5. Identifiers: MedGen C1858379, MONDO:0011459, OMIM 604400.

Submissions (2):

All of Us Research Program, National Institutes of Health
Classification: Uncertain significance for Arrhythmogenic right ventricular dysplasia 5. Last evaluated: 2023-10-02. Review status: criteria provided, single submitter. Criteria: ACMG Guidelines, 2015. Collection method: clinical testing. Allele origin: germline. Inheritance: Autosomal dominant inheritance. Observed: 2 variant alleles, 2 heterozygotes.
Comment: This missense variant replaces serine with tyrosine at codon 209 of the TMEM43 protein. Computational prediction suggests that this variant may not impact protein structure and function (internally defined REVEL score threshold <= 0.5, PMID: 27666373). To our knowledge, functional studies have not been reported for this variant. This variant has not been reported in individuals affected with TMEM43-related disorders in the literature. This variant has not been identified in the general population by the Genome Aggregation Database (gnomAD). The available evidence is insufficient to determine the role of this variant in disease conclusively. Therefore, this variant is classified as a Variant of Uncertain Significance.

This study involves interpretation of variants in research participants for the purpose of population health screening. Participant phenotype was not available at the time of variant classification. Additional details can be found in publication PMID: 35346344, PMCID: PMC8962531

Ambry Genetics
Classification: Uncertain significance for Cardiovascular phenotype. Last evaluated: 2023-07-14. Review status: criteria provided, single submitter. Criteria: Ambry Variant Classification Scheme 2023. Collection method: clinical testing. Allele origin: germline.
Comment: The p.S209Y variant (also known as c.626C>A), located in coding exon 8 of the TMEM43 gene, results from a C to A substitution at nucleotide position 626. The serine at codon 209 is replaced by tyrosine, an amino acid with dissimilar properties. An alternate substitution at this position, p.S209A, was reported in an individual with dilated cardiomyopathy (DCM) who also had variants in other cardiac-related genes (Pugh TJ et al. Genet. Med., 2014 Aug;16:601-8). This amino acid position is not well conserved in available vertebrate species. In addition, this alteration is predicted to be tolerated by in silico analysis. Since supporting evidence is limited at this time, the clinical significance of this alteration remains unclear.

Literature cited by the submitters: PubMed 24503780 (cited by Ambry Genetics).